The following is an entry in ClinVar:

ClinVar aggregate classification (germline): Uncertain significance (1 of 4 stars; one submission).

Conditions:
Neurofibromatosis, type 1 (NF1). Also called: VON RECKLINGHAUSEN DISEASE; Peripheral type neurofibromatosis; Neurofibromatosis, type I; NEUROFIBROMATOSIS, TYPE I, SOMATIC. Identifiers: Orphanet 636, MedGen C0027831, MONDO:0018975, OMIM 162200. Disease mechanism: loss of function.

Submission:

Labcorp Genetics (formerly Invitae), Labcorp
Classification: Uncertain significance for Neurofibromatosis, type 1. Last evaluated: 2023-04-26. Review status: criteria provided, single submitter. Criteria: Invitae Variant Classification Sherloc (09022015). Collection method: clinical testing. Allele origin: germline.
Comment: This sequence change replaces methionine, which is neutral and non-polar, with isoleucine, which is neutral and non-polar, at codon 102 of the NF1 protein (p.Met102Ile). This variant is not present in population databases (gnomAD no frequency). This variant has not been reported in the literature in individuals affected with NF1-related conditions. ClinVar contains an entry for this variant (Variation ID: 1376649). Advanced modeling of protein sequence and biophysical properties (such as structural, functional, and spatial information, amino acid conservation, physicochemical variation, residue mobility, and thermodynamic stability) performed at Invitae indicates that this missense variant is not expected to disrupt NF1 protein function. In summary, the available evidence is currently insufficient to determine the role of this variant in disease. Therefore, it has been classified as a Variant of Uncertain Significance.

NM_001042492.3(NF1):c.306G>A (p.Met102Ile)

Gene: NF1 (neurofibromin 1; plus strand). Cytogenetic location: 17q11.2.
Variant type: single nucleotide variant.
Coding change: c.306G>A on transcript NM_001042492.3 (MANE Select); coding-DNA position 306, G replaced by A.
Protein change: p.Met102Ile; replaces methionine 102 with isoleucine.
Molecular consequence: missense variant.
Genome position (GRCh38, 1-based): chr17:31,163,203, G>A. VCF-style: chr17-31163203-G-A. GRCh37 (hg19) VCF-style: chr17-29490221-G-A.
Other names: c.306G>A, p.Met102Ile (NM_000267.4, NM_001128147.3); short protein forms M102I.
Identifiers: ClinVar variation 1376649 (VCV001376649.6), dbSNP rs2143670540, ClinGen allele CA398981660.